The following is an entry in ClinVar:

ClinVar aggregate classification (germline): Likely pathogenic (1 of 4 stars; one submission).

Conditions:
SDCCAG8-related disorder. Also called: SDCCAG8-Related Disorders; SDCCAG8-related condition.

gnomAD v4.1: 1 of 1,613,844 alleles (0.000062%); highest among the groups gnomAD compares: Admixed American, 0.0017%; no homozygotes.

Submission:

PreventionGenetics, part of Exact Sciences
Classification: Likely pathogenic for SDCCAG8-related condition. Last evaluated: 2026-03-11. Review status: criteria provided, single submitter. Criteria: ACMG Guidelines, 2015. Collection method: clinical testing. Allele origin: germline.
Comment: The SDCCAG8 c.505C>T variant is predicted to result in premature protein termination (p.Gln169*). To our knowledge, this variant has not been reported in the literature. This variant is reported in 0.0029% of alleles in individuals of Latino descent in gnomAD. Nonsense variants in SDCCAG8 are expected to be pathogenic. This variant is interpreted as likely pathogenic.

NM_006642.5(SDCCAG8):c.505C>T (p.Gln169Ter)

Gene: SDCCAG8 (SHH signaling and ciliogenesis regulator SDCCAG8; plus strand). Cytogenetic location: 1q43.
Variant type: single nucleotide variant.
Coding change: c.505C>T on transcript NM_006642.5 (MANE Select); coding-DNA position 505, C replaced by T.
Protein change: p.Gln169Ter; replaces glutamine 169 with a stop codon.
Molecular consequence: nonsense. On other transcripts: 5 prime UTR variant (3).
Genome position (GRCh38, 1-based): chr1:243,286,356, C>T. VCF-style: chr1-243286356-C-T. GRCh37 (hg19) VCF-style: chr1-243449658-C-T.
Other names: c.-608C>T (NM_001350246.2); c.-496C>T (NM_001350247.2); c.505C>T, p.Gln169Ter (NM_001350248.2); c.211C>T, p.Gln71Ter (NM_001350249.2); c.-869C>T (NM_001350251.2); short protein forms Q71*, Q169*.
Identifiers: ClinVar variation 4991304 (VCV004991304.1).